The following is an entry in ClinVar:

NM_004984.4(KIF5A):c.266C>A (p.Ser89Tyr)

Gene: KIF5A (kinesin family member 5A; plus strand). Cytogenetic location: 12q13.3.
Variant type: single nucleotide variant.
Coding change: c.266C>A on transcript NM_004984.4 (MANE Select); coding-DNA position 266, C replaced by A.
Protein change: p.Ser89Tyr; replaces serine 89 with tyrosine.
Molecular consequence: missense variant. On other transcripts: intron variant (1).
Genome position (GRCh38, 1-based): chr12:57,563,668, C>A. VCF-style: chr12-57563668-C-A. GRCh37 (hg19) VCF-style: chr12-57957451-C-A.
Other names: c.130-792C>A (NM_001354705.2); short protein forms S89Y.
Identifiers: ClinVar variation 1440249 (VCV001440249.8), dbSNP rs2140158856, ClinGen allele CA385493524.

ClinVar aggregate classification (germline): Uncertain significance (1 of 4 stars; one submission).

Conditions:
Spastic paraplegia. Identifiers: MedGen C0037772, HP:0001258.

Submission:

Labcorp Genetics (formerly Invitae), Labcorp
Classification: Uncertain significance for Spastic paraplegia. Last evaluated: 2021-07-26. Review status: criteria provided, single submitter. Criteria: Invitae Variant Classification Sherloc (09022015). Collection method: clinical testing. Allele origin: germline.
Comment: In summary, the available evidence is currently insufficient to determine the role of this variant in disease. Therefore, it has been classified as a Variant of Uncertain Significance. Algorithms developed to predict the effect of missense changes on protein structure and function are either unavailable or do not agree on the potential impact of this missense change (SIFT: "Deleterious"; PolyPhen-2: "Possibly Damaging"; Align-GVGD: "Class C15"). This variant has not been reported in the literature in individuals affected with KIF5A-related conditions. This variant is not present in population databases (ExAC no frequency). This sequence change replaces serine with tyrosine at codon 89 of the KIF5A protein (p.Ser89Tyr). The serine residue is highly conserved and there is a large physicochemical difference between serine and tyrosine.